The following is an entry in ClinVar:

NM_000548.5(TSC2):c.3083A>G (p.Asp1028Gly)

Gene: TSC2 (TSC complex subunit 2; plus strand). Cytogenetic location: 16p13.3.
Variant type: single nucleotide variant.
Coding change: c.3083A>G on transcript NM_000548.5 (MANE Select); coding-DNA position 3083, A replaced by G.
Protein change: p.Asp1028Gly; replaces aspartic acid 1028 with glycine.
Molecular consequence: missense variant.
Genome position (GRCh38, 1-based): chr16:2,079,148, A>G. VCF-style: chr16-2079148-A-G. GRCh37 (hg19) VCF-style: chr16-2129149-A-G.
Other names: c.2951A>G, p.Asp984Gly (NM_001077183.3, NM_001370404.1); c.3083A>G, p.Asp1028Gly (NM_001114382.3); c.2843A>G, p.Asp948Gly (NM_001318827.2); c.2807A>G, p.Asp936Gly (NM_001318829.2); c.2351A>G, p.Asp784Gly (NM_001318831.2); c.2984A>G, p.Asp995Gly (NM_001318832.2); c.2954A>G, p.Asp985Gly (NM_001363528.2, NM_001370405.1, NM_021055.3); short protein forms D1028G, D784G, D936G, D984G, D948G, D985G, D995G.
Identifiers: ClinVar variation 65344 (VCV000065344.3), dbSNP rs397515255, ClinGen allele CA018479.

ClinVar aggregate classification (germline): Likely pathogenic. Review status: criteria provided, single submitter (1 of 4 stars). 2 submissions from 2 submitters: Likely pathogenic (1). 1 of the submissions does not count toward it. Last evaluated 2025-06-27.

Conditions:
Tuberous sclerosis syndrome (TSC). Also called: Tuberous Sclerosis Complex; Tuberous sclerosis. Identifiers: Orphanet 805, MedGen C0041341, MONDO:0001734.
Tuberous sclerosis 2 (TSC2). Identifiers: Orphanet 805, MedGen C1860707, MONDO:0013199, OMIM 613254.

Submissions (2):

Labcorp Genetics (formerly Invitae), Labcorp
Classification: Likely pathogenic for Tuberous sclerosis 2. Last evaluated: 2025-06-27. Review status: criteria provided, single submitter. Criteria: Invitae Variant Classification Sherloc (09022015). Collection method: clinical testing. Allele origin: germline.
Comment: This sequence change replaces aspartic acid, which is acidic and polar, with glycine, which is neutral and non-polar, at codon 1028 of the TSC2 protein (p.Asp1028Gly). This variant is not present in population databases (gnomAD no frequency). This variant has not been reported in the literature in individuals affected with TSC2-related conditions. ClinVar contains an entry for this variant (Variation ID: 65344). Invitae Evidence Modeling of protein sequence and biophysical properties (such as structural, functional, and spatial information, amino acid conservation, physicochemical variation, residue mobility, and thermodynamic stability) indicates that this missense variant is expected to disrupt TSC2 protein function with a positive predictive value of 95%. This variant disrupts the p.Asp1028 amino acid residue in TSC2. Other variant(s) that disrupt this residue have been determined to be pathogenic (internal data). This suggests that this residue is clinically significant, and that variants that disrupt this residue are likely to be disease-causing. In summary, the currently available evidence indicates that the variant is pathogenic, but additional data are needed to prove that conclusively. Therefore, this variant has been classified as Likely Pathogenic.

Tuberous sclerosis database (TSC2)
No classification provided. Condition: TSC. Review status: no classification provided. Criteria: Tuberous Sclerosis Database Assertion Criteria 2015. Collection method: curation. Allele origin: germline. Affected: yes. Not counted in ClinVar's aggregate classification.